The following is an entry in ClinVar:

ClinVar aggregate classification (germline): Pathogenic (1 of 4 stars; one submission).

Conditions:
Alstrom syndrome (ALMS). Identifiers: Orphanet 64, MedGen C0268425, MONDO:0008763, OMIM 203800.

Submission:

Centre for Mendelian Genomics, University Medical Centre Ljubljana
Classification: Pathogenic for Alstrom syndrome. Last evaluated: 2020-03-17. Review status: criteria provided, single submitter. Criteria: ACMG Guidelines, 2015. Collection method: clinical testing. Allele origin: unknown. Affected: yes.
Comment: This variant was classified as: Pathogenic. The following ACMG criteria were applied in classifying this variant: PVS1,PM2,PP4.

NM_001378454.1(ALMS1):c.2897del (p.Gln966fs)

Gene: ALMS1 (ALMS1 centrosome and basal body associated protein; plus strand). Cytogenetic location: 2p13.1.
Variant type: Deletion.
Coding change: c.2897del on transcript NM_001378454.1 (MANE Select); coding-DNA position 2897, one base deleted (A; older notation c.2897delA).
Protein change: p.Gln966fs; shifts the reading frame from glutamine 966.
Molecular consequence: frameshift variant.
Genome position (GRCh38, 1-based): chr2:73,449,424, A deleted. VCF-style (leftmost placement, unchanged base first): chr2-73449423-CA-C. GRCh37 (hg19) VCF-style: chr2-73676550-CA-C.
Other names: c.2900delA (NM_015120.4); c.2900del, p.Gln967fs (NM_015120.4); short protein forms Q966fs, Q967fs.
Identifiers: ClinVar variation 931355 (VCV000931355.3), dbSNP rs1671880064, ClinGen allele CA1139657106.